The following is an entry in ClinVar:

NM_001080463.2(DYNC2H1):c.9838T>C (p.Trp3280Arg)

Gene: DYNC2H1 (dynein cytoplasmic 2 heavy chain 1; plus strand). Cytogenetic location: 11q22.3.
Variant type: single nucleotide variant.
Coding change: c.9838T>C on transcript NM_001080463.2 (MANE Plus Clinical); coding-DNA position 9838, T replaced by C.
Protein change: p.Trp3280Arg; replaces tryptophan 3280 with arginine.
Molecular consequence: missense variant. On other transcripts: intron variant (1).
Genome position (GRCh38, 1-based): chr11:103,241,545, T>C. VCF-style: chr11-103241545-T-C. GRCh37 (hg19) VCF-style: chr11-103112274-T-C.
Other names: c.9820-2148T>C (NM_001377.3); short protein forms W3280R.
Identifiers: ClinVar variation 1522870 (VCV001522870.7), dbSNP rs2135218261, ClinGen allele CA382243555.

ClinVar aggregate classification (germline): Uncertain significance (1 of 4 stars; one submission).

Conditions:
Jeune thoracic dystrophy. Also called: Jeune syndrome; Infantile thoracic dystrophy; Thoracic pelvic phalangeal dystrophy; Jeune's syndrome; Chondroectodermal dysplasia-like syndrome; Short-rib thoracic dysplasia. Identifiers: Orphanet 474, MedGen C0265275, MONDO:0018770.

Submission:

Labcorp Genetics (formerly Invitae), Labcorp
Classification: Uncertain significance for Jeune thoracic dystrophy. Last evaluated: 2022-08-23. Review status: criteria provided, single submitter. Criteria: Invitae Variant Classification Sherloc (09022015). Collection method: clinical testing. Allele origin: germline.
Comment: This variant has not been reported in the literature in individuals affected with DYNC2H1-related conditions. In summary, the available evidence is currently insufficient to determine the role of this variant in disease. Therefore, it has been classified as a Variant of Uncertain Significance. Advanced modeling of protein sequence and biophysical properties (such as structural, functional, and spatial information, amino acid conservation, physicochemical variation, residue mobility, and thermodynamic stability) performed at Invitae indicates that this missense variant is not expected to disrupt DYNC2H1 protein function. ClinVar contains an entry for this variant (Variation ID: 1522870). This variant is not present in population databases (gnomAD no frequency). This sequence change replaces tryptophan, which is neutral and slightly polar, with arginine, which is basic and polar, at codon 3280 of the DYNC2H1 protein (p.Trp3280Arg).